The following is an entry in ClinVar:

ClinVar aggregate classification (germline): Uncertain significance (1 of 4 stars; one submission).

Conditions:
Familial thoracic aortic aneurysm and aortic dissection (TAAD). Also called: Thoracic aortic aneurysms and dissections. Identifiers: Orphanet 91387, MedGen C4707243, MONDO:0019625.

Submission:

All of Us Research Program, National Institutes of Health
Classification: Uncertain significance for Familial thoracic aortic aneurysm and aortic dissection. Last evaluated: 2023-03-04. Review status: criteria provided, single submitter. Criteria: ACMG Guidelines, 2015. Collection method: clinical testing. Allele origin: germline. Inheritance: Autosomal dominant inheritance. Observed: 1 variant allele, 1 heterozygote.
Comment: This study involves interpretation of variants in research participants for the purpose of population health screening. Participant phenotype was not available at the time of variant classification. Additional details can be found in publication PMID: 35346344, PMCID: PMC8962531

NM_002474.3(MYH11):c.1055C>A (p.Ser352Ter)

Gene: MYH11 (myosin heavy chain 11; minus strand). Cytogenetic location: 16p13.11.
Variant type: single nucleotide variant.
Coding change: c.1055C>A on transcript NM_002474.3 (MANE Select); coding-DNA position 1055, C replaced by A.
Protein change: p.Ser352Ter; replaces serine 352 with a stop codon.
Molecular consequence: nonsense.
Genome position (GRCh38, 1-based): chr16:15,763,870, G>T on the plus strand (C>A on the coding strand, the complement: MYH11 is on the minus strand). VCF-style: chr16-15763870-G-T. GRCh37 (hg19) VCF-style: chr16-15857727-G-T.
Other names: c.1076C>A, p.Ser359Ter (NM_001040113.2, NM_001040114.2); c.1055C>A, p.Ser352Ter (NM_022844.3); short protein forms S352*, S359*.
Identifiers: ClinVar variation 3069605 (VCV003069605.1), dbSNP rs147496115, ClinGen allele CA394865849.